The following is an entry in ClinVar:

ClinVar aggregate classification (germline): Conflicting classifications of pathogenicity. Review status: criteria provided, conflicting classifications (1 of 4 stars). 3 submissions from 3 submitters: Uncertain significance (1); Likely benign (1). 1 of the submissions does not count toward it. Last evaluated 2025-05-14.

Conditions:
Hereditary North American Indian childhood cirrhosis. Identifiers: Orphanet 168583, MedGen C1858051, MONDO:0011497, OMIM 604901.
UTP4-related disorder. Also called: UTP4-related condition.

Allele frequency attached by ClinVar (database versions not stated): ESP Exome Variant Server 0.00008; gnomAD exomes 0.00008 and 0.00011; TOPMed 0.00009; gnomAD 0.00010 and 0.00011; ExAC 0.00015.
gnomAD v4.1: 147 of 1,614,178 alleles (0.0091%); highest among the groups gnomAD compares: Middle Eastern, 0.099%; no homozygotes.

Submissions (3):

Labcorp Genetics (formerly Invitae), Labcorp
Classification: Likely benign. Last evaluated: 2025-05-14. Review status: criteria provided, single submitter. Criteria: Invitae Variant Classification Sherloc (09022015). Collection method: clinical testing. Allele origin: germline.

Illumina Laboratory Services, Illumina
Classification: Uncertain significance for Hereditary North American Indian childhood cirrhosis. Last evaluated: 2018-01-13. Review status: criteria provided, single submitter. Criteria: ICSL Variant Classification Criteria 13 December 2019. Collection method: clinical testing. Allele origin: germline.

PreventionGenetics, part of Exact Sciences
Classification: Likely benign for UTP4-related condition. Last evaluated: 2021-09-01. Review status: no assertion criteria provided. Collection method: clinical testing. Allele origin: germline. Not counted in ClinVar's aggregate classification.
Comment: This variant is classified as likely benign based on ACMG/AMP sequence variant interpretation guidelines (Richards et al. 2015 PMID: 25741868, with internal and published modifications).

NM_032830.3(UTP4):c.1165-7T>C

Gene: UTP4 (UTP4 small subunit processome component). Cytogenetic location: 16q22.1.
Variant type: single nucleotide variant.
Coding change: c.1165-7T>C on transcript NM_032830.3 (MANE Select); 7 bases into the intron before coding-DNA position 1165, T replaced by C.
Molecular consequence: intron variant.
Genome position (GRCh38, 1-based): chr16:69,155,864, T>C. VCF-style: chr16-69155864-T-C. GRCh37 (hg19) VCF-style: chr16-69189767-T-C.
Other names: c.916-7T>C (NM_001318391.2).
Identifiers: ClinVar variation 885207 (VCV000885207.7), dbSNP rs200957784, ClinGen allele CA8132336.